The following is an entry in ClinVar:

ClinVar aggregate classification (germline): Uncertain significance. Review status: criteria provided, multiple submitters, no conflicts (2 of 4 stars). 3 submissions from 3 submitters: Uncertain significance (3). Last evaluated 2025-09-23.

Conditions:
Inborn genetic diseases. Identifiers: MedGen C0950123, MeSH D030342.
Fanconi anemia (FA). Also called: Fanconi's anemia. Identifiers: Orphanet 84, MedGen C0015625, MeSH D005199, MONDO:0019391.

Submissions (3):

Quest Diagnostics Nichols Institute San Juan Capistrano
Classification: Uncertain significance. Last evaluated: 2025-09-23. Review status: criteria provided, single submitter. Criteria: Quest Diagnostics criteria. Collection method: clinical testing. Allele origin: unknown.
Comment: The FANCM c.2662A>C (p.Asn888His) variant has not been reported in individuals with FANCM-related conditions in the published literature. This variant has not been reported in large, multi-ethnic general populations (Genome Aggregation Database). Analysis of this variant using bioinformatics tools for the prediction of the effect of amino acid changes on protein structure and function yielded predictions that this variant is benign. Based on the available information, we are unable to determine the clinical significance of this variant.

Ambry Genetics
Classification: Uncertain significance for Inborn genetic diseases. Last evaluated: 2025-06-13. Review status: criteria provided, single submitter. Criteria: Ambry Variant Classification Scheme 2023. Collection method: clinical testing. Allele origin: germline.
Comment: The p.N888H variant (also known as c.2662A>C), located in coding exon 14 of the FANCM gene, results from an A to C substitution at nucleotide position 2662. The asparagine at codon 888 is replaced by histidine, an amino acid with similar properties. This amino acid position is conserved. In addition, this alteration is predicted to be tolerated by in silico analysis. Based on the available evidence, the clinical significance of this variant remains unclear.

Labcorp Genetics (formerly Invitae), Labcorp
Classification: Uncertain significance for Fanconi anemia. Last evaluated: 2020-12-03. Review status: criteria provided, single submitter. Criteria: Invitae Variant Classification Sherloc (09022015). Collection method: clinical testing. Allele origin: germline.
Comment: In summary, the available evidence is currently insufficient to determine the role of this variant in disease. Therefore, it has been classified as a Variant of Uncertain Significance. Algorithms developed to predict the effect of missense changes on protein structure and function output the following: SIFT: "Tolerated"; PolyPhen-2: "Benign"; Align-GVGD: "Class C0". The histidine amino acid residue is found in multiple mammalian species, suggesting that this missense change does not adversely affect protein function. These predictions have not been confirmed by published functional studies and their clinical significance is uncertain. This variant has not been reported in the literature in individuals with FANCM-related conditions. This variant is not present in population databases (ExAC no frequency). This sequence change replaces asparagine with histidine at codon 888 of the FANCM protein (p.Asn888His). The asparagine residue is weakly conserved and there is a small physicochemical difference between asparagine and histidine.

NM_020937.4(FANCM):c.2662A>C (p.Asn888His)

Gene: FANCM (FA complementation group M; plus strand). Cytogenetic location: 14q21.2.
Variant type: single nucleotide variant.
Coding change: c.2662A>C on transcript NM_020937.4 (MANE Select); coding-DNA position 2662, A replaced by C.
Protein change: p.Asn888His; replaces asparagine 888 with histidine.
Molecular consequence: missense variant.
Genome position (GRCh38, 1-based): chr14:45,175,416, A>C. VCF-style: chr14-45175416-A-C. GRCh37 (hg19) VCF-style: chr14-45644619-A-C.
Other names: c.2662A>C (NM_020937.2, NM_020937.3); c.2584A>C, p.Asn862His (NM_001308133.2); short protein forms N862H, N888H.
Identifiers: ClinVar variation 1497058 (VCV001497058.10), dbSNP rs755964806, ClinGen allele CA389598344.